The following is an entry in ClinVar:

ClinVar aggregate classification (germline): Benign. Review status: reviewed by expert panel (3 of 4 stars). 2 submissions from 2 submitters: Benign (1). 1 of the submissions does not count toward it. Last evaluated 2015-01-12.

Conditions:
Breast-ovarian cancer, familial, susceptibility to, 1 (BROVCA1). Also called: BRCA1 Hereditary Breast and Ovarian Cancer; OVARIAN CANCER, SUSCEPTIBILITY TO. Identifiers: Orphanet 145, MedGen C2676676, MONDO:0011450, OMIM 604370. Disease mechanism: loss of function.

Allele frequency attached by ClinVar (database versions not stated): 1000 Genomes Project 30x 0.00406; gnomAD 0.00470 and 0.00510; 1000 Genomes Project 0.00499; TOPMed 0.00519.
gnomAD v4.1: 706 of 152,162 alleles (0.46%); highest among the groups gnomAD compares: African/African-American, 1.6%; 10 homozygotes.

Submissions (2):

Evidence-based Network for the Interpretation of Germline Mutant Alleles (ENIGMA)
Classification: Benign for Breast-ovarian cancer, familial 1. Last evaluated: 2015-01-12. Review status: reviewed by expert panel. Criteria: ENIGMA BRCA1/2 Classification Criteria (2015). Collection method: curation. Allele origin: germline.
Comment: Class 1 not pathogenic based on frequency >1% in an outbred sampleset. Frequency 0.02033 (African), derived from 1000 genomes (2012-04-30).

GeneDx
Classification: Likely benign. Last evaluated: 2018-06-26. Review status: criteria provided, single submitter. Criteria: GeneDx Variant Classification Process June 2021. Collection method: clinical testing. Allele origin: germline. Affected: yes. Not counted in ClinVar's aggregate classification.

NM_007294.4(BRCA1):c.4358-2455C>T

Gene: BRCA1 (BRCA1 DNA repair associated; minus strand). Cytogenetic location: 17q21.31.
Variant type: single nucleotide variant.
Coding change: c.4358-2455C>T on transcript NM_007294.4 (MANE Select); 2455 bases into the intron before coding-DNA position 4358, C replaced by T.
Molecular consequence: intron variant.
Genome position (GRCh38, 1-based): chr17:43,079,069, G>A on the plus strand (C>T on the coding strand, the complement: BRCA1 is on the minus strand). VCF-style: chr17-43079069-G-A. GRCh37 (hg19) VCF-style: chr17-41231086-G-A.
Other names: IVS 13-2455C>T; c.929-2458C>T (NM_001408431.1); c.929-2455C>T (NM_001408424.1, NM_001408421.1); c.1043-2458C>T (NM_001408407.1); c.1043-2455C>T (NM_001408402.1, NM_001408400.1, NM_001408401.1); c.1046-2458C>T (NM_001408473.1, NM_001408399.1, NM_001408403.1 and 5 more transcripts); c.1046-2455C>T (NM_001407984.1, NM_001407983.1, NM_001407992.1 and 9 more transcripts); c.4352-2458C>T (NM_001407645.1, NM_001407644.1); and 99 more.
Identifiers: ClinVar variation 209397 (VCV000209397.4), dbSNP rs147065412, ClinGen allele CA276369.
Genomic context (GRCh38, chr17:43,079,069, plus strand): 5'-GGCCAACATGGTGAAACCCTGTCTCTACTAAAAATACAAAAATTAGCTGGGCGTGGTGGC[G>A]GGTGCCTGTAATCCCAGCTACCCAGGAGGCTGAGGCGGACATTGTAATGAGCCGAAATCA-3'